The following is an entry in ClinVar:

NM_000878.5(IL2RB):c.1362G>C (p.Arg454Ser)

Gene: IL2RB (interleukin 2 receptor subunit beta; minus strand). Cytogenetic location: 22q12.3.
Variant type: single nucleotide variant.
Coding change: c.1362G>C on transcript NM_000878.5 (MANE Select); coding-DNA position 1362, G replaced by C.
Protein change: p.Arg454Ser; replaces arginine 454 with serine.
Molecular consequence: missense variant.
Genome position (GRCh38, 1-based): chr22:37,128,390, C>G on the plus strand (G>C on the coding strand, the complement: IL2RB is on the minus strand). VCF-style: chr22-37128390-C-G. GRCh37 (hg19) VCF-style: chr22-37524430-C-G.
Other names: c.1362G>C, p.Arg454Ser (NM_001346222.1, NM_001346223.2); short protein forms R454S.
Identifiers: ClinVar variation 4760751 (VCV004760751.1).

ClinVar aggregate classification (germline): Uncertain significance (1 of 4 stars; one submission).

Submission:

Labcorp Genetics (formerly Invitae), Labcorp
Classification: Uncertain significance. Last evaluated: 2025-11-04. Review status: criteria provided, single submitter. Criteria: Invitae Variant Classification Sherloc (09022015). Collection method: clinical testing. Allele origin: germline.
Comment: This sequence change replaces arginine, which is basic and polar, with serine, which is neutral and polar, at codon 454 of the IL2RB protein (p.Arg454Ser). This variant is not present in population databases (gnomAD no frequency). This variant has not been reported in the literature in individuals affected with IL2RB-related conditions. An algorithm developed to predict the effect of missense changes on protein structure and function (PolyPhen-2) suggests that this variant is likely to be disruptive. In summary, the available evidence is currently insufficient to determine the role of this variant in disease. Therefore, it has been classified as a Variant of Uncertain Significance.